The following is an entry in ClinVar:

ClinVar aggregate classification (germline): Uncertain significance. Review status: criteria provided, multiple submitters, no conflicts (2 of 4 stars). 4 submissions from 4 submitters: Uncertain significance (4). Last evaluated 2025-07-06.

Conditions:
Hereditary cancer-predisposing syndrome. Also called: Neoplastic Syndromes, Hereditary; Tumor predisposition; Hereditary Cancer Syndrome; Hereditary neoplastic syndrome. Identifiers: Orphanet 140162, MedGen C0027672, MeSH D009386, MONDO:0015356.
Familial cancer of breast. Also called: BREAST CANCER, FAMILIAL; hereditary breast carcinoma; Hereditary breast cancer. Identifiers: Orphanet 227535, MedGen C0346153, MONDO:0016419, OMIM 114480. Disease mechanism: loss of function.

Allele frequency attached by ClinVar (database versions not stated): gnomAD exomes below 0.00001; TOPMed below 0.00001; gnomAD 0.00001.
gnomAD v4.1: 2 of 1,614,132 alleles (0.00012%); highest among the groups gnomAD compares: East Asian, 0.0022%; no homozygotes.

Submissions (4):

Ambry Genetics
Classification: Uncertain significance for Hereditary cancer-predisposing syndrome. Last evaluated: 2025-07-06. Review status: criteria provided, single submitter. Criteria: Ambry Variant Classification Scheme 2023. Collection method: clinical testing. Allele origin: germline.
Comment: The p.D801E variant (also known as c.2403C>G), located in coding exon 5 of the PALB2 gene, results from a C to G substitution at nucleotide position 2403. The aspartic acid at codon 801 is replaced by glutamic acid, an amino acid with highly similar properties. This amino acid position is well conserved on limited sequence alignment. In addition, this alteration is predicted to be tolerated by in silico analysis. Since supporting evidence is limited at this time, the clinical significance of this alteration remains unclear.

Labcorp Genetics (formerly Invitae), Labcorp
Classification: Uncertain significance for Familial cancer of breast. Last evaluated: 2024-11-27. Review status: criteria provided, single submitter. Criteria: Invitae Variant Classification Sherloc (09022015). Collection method: clinical testing. Allele origin: germline.
Comment: This sequence change replaces aspartic acid, which is acidic and polar, with glutamic acid, which is acidic and polar, at codon 801 of the PALB2 protein (p.Asp801Glu). This variant is not present in population databases (gnomAD no frequency). This variant has not been reported in the literature in individuals affected with PALB2-related conditions. ClinVar contains an entry for this variant (Variation ID: 231788). Invitae Evidence Modeling of protein sequence and biophysical properties (such as structural, functional, and spatial information, amino acid conservation, physicochemical variation, residue mobility, and thermodynamic stability) indicates that this missense variant is not expected to disrupt PALB2 protein function with a negative predictive value of 80%. In summary, the available evidence is currently insufficient to determine the role of this variant in disease. Therefore, it has been classified as a Variant of Uncertain Significance.

Mendelics
Classification: Uncertain significance. Last evaluated: 2022-05-04. Review status: criteria provided, single submitter. Criteria: Mendelics Assertion Criteria 2019. Collection method: clinical testing. Allele origin: germline.

GeneDx
Classification: Uncertain significance. Last evaluated: 2021-02-23. Review status: criteria provided, single submitter. Criteria: GeneDx Variant Classification Process June 2021. Collection method: clinical testing. Allele origin: germline. Affected: yes.
Comment: Not observed in large population cohorts (Lek et al., 2016); In silico analysis supports a deleterious effect on splicing; In silico analysis supports that this missense variant does not alter protein structure/function; Has not been previously published as pathogenic or benign to our knowledge

NM_024675.4(PALB2):c.2403C>G (p.Asp801Glu)

Gene: PALB2 (partner and localizer of BRCA2; minus strand). Cytogenetic location: 16p12.2.
Variant type: single nucleotide variant.
Coding change: c.2403C>G on transcript NM_024675.4 (MANE Select); coding-DNA position 2403, C replaced by G.
Protein change: p.Asp801Glu; replaces aspartic acid 801 with glutamic acid.
Molecular consequence: missense variant.
Genome position (GRCh38, 1-based): chr16:23,629,751, G>C on the plus strand (C>G on the coding strand, the complement: PALB2 is on the minus strand). VCF-style: chr16-23629751-G-C. GRCh37 (hg19) VCF-style: chr16-23641072-G-C.
Other names: short protein forms D801E.
Identifiers: ClinVar variation 231788 (VCV000231788.19), dbSNP rs876659364, ClinGen allele CA10579973.